The following is an entry in ClinVar:

ClinVar aggregate classification (germline): Likely pathogenic (1 of 4 stars; one submission).

Conditions:
Fanconi anemia (FA). Also called: Fanconi's anemia. Identifiers: Orphanet 84, MedGen C0015625, MeSH D005199, MONDO:0019391.

Submission:

Women's Health and Genetics/Laboratory Corporation of America, LabCorp
Classification: Likely pathogenic for Fanconi anemia. Last evaluated: 2022-07-14. Review status: criteria provided, single submitter. Criteria: LabCorp Variant Classification Summary - May 2015. Collection method: clinical testing. Allele origin: germline.
Comment: Variant summary: FANCD2 c.3597delC (p.Ile1200X) results in a premature termination codon, predicted to cause a truncation of the encoded protein or absence of the protein due to nonsense mediated decay, which are commonly known mechanisms for disease. Truncations downstream of this position have been classified as pathogenic within ClinVar (e.g. c.3799del [p.Tyr1267fs], ClinVar:1070165). The variant was absent in 251460 control chromosomes (gnomAD). To our knowledge, no occurrence of c.3597delC in individuals affected with Fanconi Anemia and no experimental evidence demonstrating its impact on protein function have been reported. No clinical diagnostic laboratories have submitted clinical-significance assessments for this variant to ClinVar after 2014. Based on the evidence outlined above, the variant was classified as likely pathogenic.

NM_001018115.3(FANCD2):c.3597del (p.Ala1199_Ile1200insTer)

Genes: FANCD2 (FA complementation group D2; plus strand), FANCD2OS (FANCD2 opposite strand; minus strand). Cytogenetic location: 3p25.3.
Variant type: Deletion.
Coding change: c.3597del on transcript NM_001018115.3 (MANE Select); coding-DNA position 3597, one base deleted (C; older notation c.3597delC).
Protein change: p.Ala1199_Ile1200insTer.
Molecular consequence: frameshift variant. On other transcripts: intron variant (1).
Genome position (GRCh38, 1-based): chr3:10,088,864, C deleted; the last of 2 consecutive C bases (chr3:10,088,863-10,088,864); deleting either gives the same sequence. VCF-style (leftmost placement, unchanged base first): chr3-10088862-GC-G. GRCh37 (hg19) VCF-style: chr3-10130546-GC-G.
Other names: c.3597del, p.Ala1199_Ile1200insTer (NM_001319984.2, NM_001374254.1, NM_033084.6); c.3486del, p.Ala1162_Ile1163insTer (NM_001374253.1); c.*44-7332del (NM_173472.2).
Identifiers: ClinVar variation 1704606 (VCV001704606.1), dbSNP rs2470049828, ClinGen allele CA2580068370.